The following is an entry in ClinVar:

NM_001167.4(XIAP):c.1090A>G (p.Arg364Gly)

Gene: XIAP (X-linked inhibitor of apoptosis; plus strand). Cytogenetic location: Xq25.
Variant type: single nucleotide variant.
Coding change: c.1090A>G on transcript NM_001167.4 (MANE Select); coding-DNA position 1090, A replaced by G.
Protein change: p.Arg364Gly; replaces arginine 364 with glycine.
Molecular consequence: missense variant. On other transcripts: non-coding transcript variant (2).
Genome position (GRCh38, 1-based): chrX:123,892,764, A>G. VCF-style: chrX-123892764-A-G. GRCh37 (hg19) VCF-style: chrX-123026614-A-G.
Other names: c.1090A>G, p.Arg364Gly (NM_001204401.2, NM_001378590.1, NM_001378591.1 and 1 more transcripts); short protein forms R364G.
Identifiers: ClinVar variation 2893549 (VCV002893549.3), dbSNP rs778094000, ClinGen allele CA10508121.
Genomic context (GRCh38, chrX:123,892,764, plus strand): 5'-AACTTACAGTTCCTATTTCTGTTACAGGTAAGAACTACTGAGAAAACACCATCACTAACT[A>G]GAAGAATTGGTAAATATGCTTGTTAACTATCCTTTTAATTTAACTGCCAATTTATTTATT-3'
Protein context (NP_001158.2, residues 354-374): RTTEKTPSLT[Arg364Gly]RIDDTIFQNP

ClinVar aggregate classification (germline): Uncertain significance (1 of 4 stars; one submission).

Conditions:
X-linked lymphoproliferative disease due to XIAP deficiency. Also called: XIAP-Related Lymphoproliferative Disease, X-Linked; XIAP DEFICIENCY. Identifiers: Orphanet 2442, Orphanet 538934, MedGen C1845076, MONDO:0010385, OMIM 300635.

Allele frequency attached by ClinVar (database versions not stated): ExAC 0.00001; gnomAD 0.00001; TOPMed 0.00001.

Submission:

Labcorp Genetics (formerly Invitae), Labcorp
Classification: Uncertain significance for X-linked lymphoproliferative disease due to XIAP deficiency. Last evaluated: 2025-12-21. Review status: criteria provided, single submitter. Criteria: Invitae Variant Classification Sherloc (09022015). Collection method: clinical testing. Allele origin: germline.
Comment: This sequence change replaces arginine, which is basic and polar, with glycine, which is neutral and non-polar, at codon 364 of the XIAP protein (p.Arg364Gly). This variant is present in population databases (rs778094000, gnomAD 0.01%). This variant has not been reported in the literature in individuals affected with XIAP-related conditions. ClinVar contains an entry for this variant (Variation ID: 2893549). Invitae Evidence Modeling of protein sequence and biophysical properties (such as structural, functional, and spatial information, amino acid conservation, physicochemical variation, residue mobility, and thermodynamic stability) indicates that this missense variant is not expected to disrupt XIAP protein function with a negative predictive value of 80%. In summary, the available evidence is currently insufficient to determine the role of this variant in disease. Therefore, it has been classified as a Variant of Uncertain Significance.